The following is an entry in ClinVar:

NM_178452.6(DNAAF1):c.1948C>A (p.Leu650Ile)

Gene: DNAAF1 (dynein axonemal assembly factor 1; plus strand). Cytogenetic location: 16q24.1.
Variant type: single nucleotide variant.
Coding change: c.1948C>A on transcript NM_178452.6 (MANE Select); coding-DNA position 1948, C replaced by A.
Protein change: p.Leu650Ile; replaces leucine 650 with isoleucine.
Molecular consequence: missense variant.
Genome position (GRCh38, 1-based): chr16:84,176,182, C>A. VCF-style: chr16-84176182-C-A. GRCh37 (hg19) VCF-style: chr16-84209788-C-A.
Other names: c.1240C>A, p.Leu414Ile (NM_001318756.1); short protein forms L650I, L414I.
Identifiers: ClinVar variation 565781 (VCV000565781.10), dbSNP rs759644657, ClinGen allele CA8203061.

ClinVar aggregate classification (germline): Uncertain significance. Review status: criteria provided, multiple submitters, no conflicts (2 of 4 stars). 3 submissions from 3 submitters: Uncertain significance (3). Last evaluated 2022-06-12.

Conditions:
Primary ciliary dyskinesia. Also called: Ciliary dyskinesia. Identifiers: Orphanet 244, MedGen C0008780, MONDO:0016575, HP:0012265.
Primary ciliary dyskinesia 13. Also called: CILIARY DYSKINESIA, PRIMARY, 13, WITH OR WITHOUT SITUS INVERSUS. Identifiers: Orphanet 244, MedGen C2750790, MONDO:0013174, OMIM 613193.

Allele frequency attached by ClinVar (database versions not stated): ExAC 0.00001; TOPMed 0.00003; gnomAD exomes 0.00004.
gnomAD v4.1: 33 of 1,613,932 alleles (0.002%); highest among the groups gnomAD compares: Admixed American, 0.04%; no homozygotes.

Submissions (3):

Ambry Genetics
Classification: Uncertain significance for Primary ciliary dyskinesia. Last evaluated: 2022-06-12. Review status: criteria provided, single submitter. Criteria: Ambry Variant Classification Scheme 2023. Collection method: clinical testing. Allele origin: germline.
Comment: The p.L650I variant (also known as c.1948C>A), located in coding exon 11 of the DNAAF1 gene, results from a C to A substitution at nucleotide position 1948. The leucine at codon 650 is replaced by isoleucine, an amino acid with highly similar properties. This amino acid position is conserved. In addition, this alteration is predicted to be tolerated by in silico analysis. Since supporting evidence is limited at this time, the clinical significance of this alteration remains unclear.

Fulgent Genetics
Classification: Uncertain significance for Primary ciliary dyskinesia 13. Last evaluated: 2022-02-28. Review status: criteria provided, single submitter. Criteria: ACMG Guidelines, 2015. Collection method: clinical testing. Allele origin: unknown.

Labcorp Genetics (formerly Invitae), Labcorp
Classification: Uncertain significance for Primary ciliary dyskinesia. Last evaluated: 2020-03-05. Review status: criteria provided, single submitter. Criteria: Invitae Variant Classification Sherloc (09022015). Collection method: clinical testing. Allele origin: germline.
Comment: This variant has not been reported in the literature in individuals with DNAAF1-related disease. In summary, the available evidence is currently insufficient to determine the role of this variant in disease. Therefore, it has been classified as a Variant of Uncertain Significance. Algorithms developed to predict the effect of missense changes on protein structure and function output the following: SIFT: "Tolerated"; PolyPhen-2: "Possibly Damaging"; Align-GVGD: "Class C0". The isoleucine amino acid residue is found in multiple mammalian species, suggesting that this missense change does not adversely affect protein function. These predictions have not been confirmed by published functional studies and their clinical significance is uncertain. This variant is present in population databases (rs759644657, ExAC 0.002%). This sequence change replaces leucine with isoleucine at codon 650 of the DNAAF1 protein (p.Leu650Ile). The leucine residue is moderately conserved and there is a small physicochemical difference between leucine and isoleucine.